The following is an entry in ClinVar:

NM_001378615.1(CC2D2A):c.247+452C>T

Genes: CC2D2A (coiled-coil and C2 domain containing 2A; plus strand), FBXL5 (F-box and leucine rich repeat protein 5; minus strand). Cytogenetic location: 4p15.32.
Variant type: single nucleotide variant.
Coding change: c.247+452C>T on transcript NM_001378615.1 (MANE Select); 452 bases into the intron after coding-DNA position 247, C replaced by T.
Molecular consequence: intron variant. On other transcripts: synonymous variant (1), 3 prime UTR variant (1).
Genome position (GRCh38, 1-based): chr4:15,481,279, C>T. VCF-style: chr4-15481279-C-T. GRCh37 (hg19) VCF-style: chr4-15482903-C-T.
Other names: c.330C>T, p.Gly110= (NM_001164720.3); c.*67C>T (NM_020785.2); c.247+452C>T (NM_001080522.2); c.100+452C>T (NM_001378617.1); c.330C>T (NM_001164720.1).
Identifiers: ClinVar variation 2654682 (VCV002654682.26), dbSNP rs570923728, ClinGen allele CA2863326.

ClinVar aggregate classification (germline): Likely benign. Review status: criteria provided, multiple submitters, no conflicts (2 of 4 stars). 3 submissions from 3 submitters: Likely benign (2). 1 of the submissions does not count toward it. Last evaluated 2026-06-01.

Conditions:
CC2D2A-related disorder. Also called: CC2D2A-related disorders; CC2D2A-related condition. Identifiers: MedGen CN239313.

Allele frequency attached by ClinVar (database versions not stated): 1000 Genomes Project 30x 0.00406; TOPMed 0.00205; gnomAD 0.00249; 1000 Genomes Project 0.00339.
gnomAD v4.1: 1,073 of 451,936 alleles (0.24%); highest among the groups gnomAD compares: South Asian, 0.3%; 4 homozygotes.

Submissions (3):

CeGaT Center for Human Genetics Tuebingen
Classification: Likely benign. Last evaluated: 2026-06-01. Review status: criteria provided, single submitter. Criteria: CeGaT Center For Human Genetics Tuebingen Variant Classification Criteria Version 2. Collection method: clinical testing. Allele origin: germline. Affected: yes. Observed: 14 variant alleles.
Comment: CC2D2A: BS2

Blueprint Genetics
Classification: Likely benign. Last evaluated: 2024-11-25. Review status: criteria provided, single submitter. Criteria: ACMG Guidelines, 2015. Collection method: clinical testing. Allele origin: germline.

PreventionGenetics, part of Exact Sciences
Classification: Likely benign for CC2D2A-related condition. Last evaluated: 2020-04-27. Review status: no assertion criteria provided. Collection method: clinical testing. Allele origin: germline. Not counted in ClinVar's aggregate classification.
Comment: This variant is classified as likely benign based on ACMG/AMP sequence variant interpretation guidelines (Richards et al. 2015 PMID: 25741868, with internal and published modifications).